The following is an entry in ClinVar:

ClinVar aggregate classification (germline): Uncertain significance (1 of 4 stars; one submission).

gnomAD v4.1: 1 of 1,582,266 alleles (0.000063%); highest among the groups gnomAD compares: Non-Finnish European, 0.000087%; no homozygotes.

Submission:

Labcorp Genetics (formerly Invitae), Labcorp
Classification: Uncertain significance. Last evaluated: 2025-08-17. Review status: criteria provided, single submitter. Criteria: Invitae Variant Classification Sherloc (09022015). Collection method: clinical testing. Allele origin: germline.
Comment: This sequence change replaces serine, which is neutral and polar, with asparagine, which is neutral and polar, at codon 7 of the ZNF513 protein (p.Ser7Asn). This variant is not present in population databases (gnomAD no frequency). This variant has not been reported in the literature in individuals affected with ZNF513-related conditions. An algorithm developed to predict the effect of missense changes on protein structure and function (PolyPhen-2) suggests that this variant is likely to be tolerated. In summary, the available evidence is currently insufficient to determine the role of this variant in disease. Therefore, it has been classified as a Variant of Uncertain Significance.

NM_144631.6(ZNF513):c.20G>A (p.Ser7Asn)

Genes: ZNF513 (zinc finger protein 513; minus strand), LOC129933377 (ATAC-STARR-seq lymphoblastoid silent region 11297; plus strand). Cytogenetic location: 2p23.3.
Variant type: single nucleotide variant.
Coding change: c.20G>A on transcript NM_144631.6 (MANE Select); coding-DNA position 20, G replaced by A.
Protein change: p.Ser7Asn; replaces serine 7 with asparagine.
Molecular consequence: missense variant.
Genome position (GRCh38, 1-based): chr2:27,380,507, C>T on the plus strand (G>A on the coding strand, the complement: ZNF513 is on the minus strand). VCF-style: chr2-27380507-C-T. GRCh37 (hg19) VCF-style: chr2-27603374-C-T.
Other names: short protein forms S7N.
Identifiers: ClinVar variation 4725186 (VCV004725186.1).